The following is an entry in ClinVar:

ClinVar aggregate classification (germline): Likely benign. Review status: criteria provided, multiple submitters, no conflicts (2 of 4 stars). 2 submissions from 2 submitters: Likely benign (2). Last evaluated 2026-02-01.

Conditions:
Nemaline myopathy 2 (NEM2). Also called: Nemaline myopathy 2, autosomal recessive. Identifiers: MedGen C1850569, MONDO:0009725, OMIM 256030.

Allele frequency attached by ClinVar (database versions not stated): ExAC 0.00001; gnomAD 0.00001; gnomAD exomes 0.00001; TOPMed 0.00004.
gnomAD v4.1: 47 of 1,612,822 alleles (0.0029%); highest among the groups gnomAD compares: Non-Finnish European, 0.0036%; no homozygotes.

Submissions (2):

CeGaT Center for Human Genetics Tuebingen
Classification: Likely benign. Last evaluated: 2026-02-01. Review status: criteria provided, single submitter. Criteria: CeGaT Center For Human Genetics Tuebingen Variant Classification Criteria Version 2. Collection method: clinical testing. Allele origin: germline. Affected: yes. Observed: 1 variant allele.
Comment: NEB: BP4, BP7

Labcorp Genetics (formerly Invitae), Labcorp
Classification: Likely benign for Nemaline myopathy 2. Last evaluated: 2025-12-29. Review status: criteria provided, single submitter. Criteria: Invitae Variant Classification Sherloc (09022015). Collection method: clinical testing. Allele origin: germline.

NM_001164508.2(NEB):c.2520C>T (p.Ser840=)

Gene: NEB (nebulin; minus strand). Cytogenetic location: 2q23.3.
Variant type: single nucleotide variant.
Coding change: c.2520C>T on transcript NM_001164508.2 (MANE Select); coding-DNA position 2520, C replaced by T.
Protein change: p.Ser840=; no amino-acid change (serine 840 retained).
Molecular consequence: synonymous variant.
Genome position (GRCh38, 1-based): chr2:151,687,629, G>A on the plus strand (C>T on the coding strand, the complement: NEB is on the minus strand). VCF-style: chr2-151687629-G-A. GRCh37 (hg19) VCF-style: chr2-152544143-G-A.
Other names: c.2520C>T, p.Ser840= (NM_001164507.2, NM_001271208.2, NM_004543.5).
Identifiers: ClinVar variation 754594 (VCV000754594.11), dbSNP rs757826030, ClinGen allele CA1911205.
Genomic context (GRCh38, chr2:151,687,629, plus strand): 5'-AGGAAATGTCCCCAAGGCCACCCTGTCCAGGTCCCCAGGTCCCCAGGCCACACTCACATC[G>A]CTGGTGTTCTTGGTGTTGGCTTTGGCTGCCAACAGGGGAATGGCGTCCACTTTAATGTCA-3'
Protein context (NP_001157980.2, residues 830-850): LAAKANTKNT[Ser840=]DVMYKKDYEK